The following is an entry in ClinVar:

NM_001040142.2(SCN2A):c.407T>G (p.Met136Arg)

Gene: SCN2A (sodium voltage-gated channel alpha subunit 2; plus strand). Cytogenetic location: 2q24.3.
Variant type: single nucleotide variant.
Coding change: c.407T>G on transcript NM_001040142.2 (MANE Select); coding-DNA position 407, T replaced by G.
Protein change: p.Met136Arg; replaces methionine 136 with arginine.
Molecular consequence: missense variant.
Genome position (GRCh38, 1-based): chr2:165,307,868, T>G. VCF-style: chr2-165307868-T-G. GRCh37 (hg19) VCF-style: chr2-166164378-T-G.
Other names: c.407T>G, p.Met136Arg (NM_001040143.2, NM_001371246.1, NM_001371247.1 and 1 more transcripts); short protein forms M136R.
Identifiers: ClinVar variation 1929277 (VCV001929277.5), dbSNP rs2467880827, ClinGen allele CA349014971.

ClinVar aggregate classification (germline): Pathogenic (1 of 4 stars; one submission).

Conditions:
Developmental and epileptic encephalopathy, 11 (DEE11). Also called: Early infantile epileptic encephalopathy 11. Identifiers: Orphanet 1934, MedGen C3150987, MONDO:0013388, OMIM 613721.
Seizures, benign familial infantile, 3 (BFIS3). Also called: CONVULSIONS, BENIGN FAMILIAL INFANTILE, 3; Familial neonatal seizures. Identifiers: Orphanet 140927, Orphanet 306, MedGen C1843140, MONDO:0011904, OMIM 607745.

Submission:

Labcorp Genetics (formerly Invitae), Labcorp
Classification: Pathogenic for Seizures, benign familial infantile, 3; Developmental and epileptic encephalopathy, 11. Last evaluated: 2022-05-07. Review status: criteria provided, single submitter. Criteria: Invitae Variant Classification Sherloc (09022015). Collection method: clinical testing. Allele origin: germline.
Comment: For these reasons, this variant has been classified as Pathogenic. This variant disrupts the p.Met136 amino acid residue in SCN2A. Other variant(s) that disrupt this residue have been determined to be pathogenic (PMID: 23708187, 26291284, 30415926). This suggests that this residue is clinically significant, and that variants that disrupt this residue are likely to be disease-causing. Algorithms developed to predict the effect of sequence changes on RNA splicing suggest that this variant may create or strengthen a splice site. Algorithms developed to predict the effect of missense changes on protein structure and function are either unavailable or do not agree on the potential impact of this missense change (SIFT: "Deleterious"; PolyPhen-2: "Benign"; Align-GVGD: "Class C0"). This missense change has been observed in individual(s) with clinical features of developmental and epileptic encephalopathy (PMID: 32603808). In at least one individual the variant was observed to be de novo. This variant is not present in population databases (gnomAD no frequency). This sequence change replaces methionine, which is neutral and non-polar, with arginine, which is basic and polar, at codon 136 of the SCN2A protein (p.Met136Arg).

Literature cited by the submitters: PubMed 23708187; PubMed 26291284; PubMed 30415926; PubMed 32603808.